The following is an entry in ClinVar:

ClinVar aggregate classification (germline): Likely benign. Review status: criteria provided, multiple submitters, no conflicts (2 of 4 stars). 4 submissions from 4 submitters: Likely benign (4). Last evaluated 2024-11-13.

Conditions:
Cardiomyopathy (CMYO). Also called: Cardiomyopathies. Identifiers: Orphanet 167848, MedGen C0878544, MONDO:0004994, HP:0001638. Inheritance: Various modes of inheritance.
Cardiovascular phenotype. Identifiers: MedGen CN230736.
Arrhythmogenic right ventricular dysplasia 8 (ARVD8). Also called: Arrhythmogenic Right Ventricular Dysplasia/Cardiomyopathy 8; ARRHYTHMOGENIC RIGHT VENTRICULAR DYSPLASIA, FAMILIAL, 8; ARRHYTHMOGENIC RIGHT VENTRICULAR CARDIOMYOPATHY 8. Identifiers: MedGen C1843896, MONDO:0011831, OMIM 607450.
Arrhythmogenic cardiomyopathy with wooly hair and keratoderma. Also called: PALMOPLANTAR KERATODERMA WITH LEFT VENTRICULAR CARDIOMYOPATHY AND WOOLLY HAIR; Carvajal syndrome; Dilated cardiomyopathy with woolly hair and keratoderma; Arrhythmogenic cardiomyopathy with woolly hair and keratoderma. Identifiers: Orphanet 65282, MedGen C1854063, MONDO:0011581, OMIM 605676.

gnomAD v4.1: 2 of 1,614,194 alleles (0.00012%); no homozygotes.

Submissions (4):

Ambry Genetics
Classification: Likely benign for Cardiovascular phenotype. Last evaluated: 2024-11-13. Review status: criteria provided, single submitter. Criteria: Ambry Variant Classification Scheme 2023. Collection method: clinical testing. Allele origin: germline.

All of Us Research Program, National Institutes of Health
Classification: Likely benign for Arrhythmogenic cardiomyopathy with wooly hair and keratoderma. Last evaluated: 2023-09-04. Review status: criteria provided, single submitter. Criteria: ACMG Guidelines, 2015. Collection method: clinical testing. Allele origin: germline. Inheritance: Autosomal dominant inheritance. Observed: 2 variant alleles, 2 heterozygotes.
Comment: This study involves interpretation of variants in research participants for the purpose of population health screening. Participant phenotype was not available at the time of variant classification. Additional details can be found in publication PMID: 35346344, PMCID: PMC8962531

Labcorp Genetics (formerly Invitae), Labcorp
Classification: Likely benign for Arrhythmogenic cardiomyopathy with wooly hair and keratoderma; Arrhythmogenic right ventricular dysplasia 8. Last evaluated: 2023-08-28. Review status: criteria provided, single submitter. Criteria: Invitae Variant Classification Sherloc (09022015). Collection method: clinical testing. Allele origin: germline.

Color Diagnostics, LLC DBA Color Health
Classification: Likely benign for Cardiomyopathy. Last evaluated: 2020-01-08. Review status: criteria provided, single submitter. Criteria: ACMG Guidelines, 2015. Collection method: clinical testing. Allele origin: germline.

NM_004415.4(DSP):c.1851G>A (p.Lys617=)

Gene: DSP (desmoplakin; plus strand). Cytogenetic location: 6p24.3.
Variant type: single nucleotide variant.
Coding change: c.1851G>A on transcript NM_004415.4 (MANE Select); coding-DNA position 1851, G replaced by A.
Protein change: p.Lys617=; no amino-acid change (lysine 617 retained).
Molecular consequence: synonymous variant.
Genome position (GRCh38, 1-based): chr6:7,571,532, G>A. VCF-style: chr6-7571532-G-A. GRCh37 (hg19) VCF-style: chr6-7571765-G-A.
Other names: c.1851G>A, p.Lys617= (NM_001008844.3, NM_001319034.2).
Identifiers: ClinVar variation 925268 (VCV000925268.9), dbSNP rs1759052144, ClinGen allele CA448714111.